The following is an entry in ClinVar:

NM_022552.5(DNMT3A):c.1759G>A (p.Gly587Arg)

Gene: DNMT3A (DNA methyltransferase 3 alpha; minus strand). Cytogenetic location: 2p23.3.
Variant type: single nucleotide variant.
Coding change: c.1759G>A on transcript NM_022552.5 (MANE Select); coding-DNA position 1759, G replaced by A.
Protein change: p.Gly587Arg; replaces glycine 587 with arginine.
Molecular consequence: missense variant. On other transcripts: non-coding transcript variant (1).
Genome position (GRCh38, 1-based): chr2:25,244,247, C>T on the plus strand (G>A on the coding strand, the complement: DNMT3A is on the minus strand). VCF-style: chr2-25244247-C-T. GRCh37 (hg19) VCF-style: chr2-25467116-C-T.
Other names: c.1759G>A (NM_022552.3); c.1303G>A, p.Gly435Arg (NM_001320893.1); c.1090G>A, p.Gly364Arg (NM_001375819.1); c.1192G>A, p.Gly398Arg (NM_153759.3); c.1759G>A, p.Gly587Arg (NM_175629.2); short protein forms G364R, G398R, G435R, G587R.
Identifiers: ClinVar variation 3338299 (VCV003338299.3).

ClinVar aggregate classification (germline): Uncertain significance. Review status: criteria provided, multiple submitters, no conflicts (2 of 4 stars). 2 submissions from 2 submitters: Uncertain significance (2). Last evaluated 2026-02-22.

Conditions:
Inborn genetic diseases. Identifiers: MedGen C0950123, MeSH D030342.
Tatton-Brown-Rahman overgrowth syndrome. Also called: Tall stature-intellectual disability-facial dysmorphism syndrome; Tatton-Brown-Rahman syndrome. Identifiers: Orphanet 404443, MedGen C4014545, MONDO:0014382, OMIM 615879.

gnomAD v4.1: 1 of 1,613,992 alleles (0.000062%); highest among the groups gnomAD compares: Non-Finnish European, 0.000085%; no homozygotes.

Submissions (2):

Ambry Genetics
Classification: Uncertain significance for Inborn genetic diseases. Last evaluated: 2026-02-22. Review status: criteria provided, single submitter. Criteria: Ambry Variant Classification Scheme 2023. Collection method: clinical testing. Allele origin: germline.
Comment: The p.G587R variant (also known as c.1759G>A), located in coding exon 14 of the DNMT3A gene, results from a G to A substitution at nucleotide position 1759. The glycine at codon 587 is replaced by arginine, an amino acid with dissimilar properties. This amino acid position is conserved. In addition, this alteration is predicted to be tolerated by in silico analysis. Based on the available evidence, the clinical significance of this variant remains unclear.

Regional Center For Medical Genetics Timis, Louis Turcanu Emergency Hospital for Children Timisoara
Classification: Uncertain significance for Tatton-Brown-Rahman overgrowth syndrome. Last evaluated: 2024-08-26. Review status: criteria provided, single submitter. Criteria: ACMG Guidelines, 2015. Collection method: research. Allele origin: paternal. Affected: yes. Observed: 1 heterozygote.
Comment: This variant is present in the population databases with low frequency (gnomAD v4.1.0 exomes, f = 6.841e-07). In silico predictions for this missense variant are uncertain. The variant might have a mild splicing impact by creating a novel acceptor splice site at the exonic level (DS = 0.35, SpliceAI). Therefore, the variant was classified as uncertain, with criteria for benignity, according to ACMG and ClinGen criteria.